The following is an entry in ClinVar:

ClinVar aggregate classification (germline): Pathogenic (1 of 4 stars; one submission).

Conditions:
Hereditary breast ovarian cancer syndrome. Also called: Breast and ovarian cancer; BRCA1- and BRCA2-Associated Hereditary Breast and Ovarian Cancer; Hereditary breast and/or ovarian cancer syndrome; Hereditary breast and ovarian cancer; Hereditary breast and ovarian cancer syndrome (HBOC); Hereditary breast and ovarian cancer syndrome. Identifiers: Orphanet 145, MedGen C0677776, MeSH D061325, MONDO:0003582. Disease mechanism: loss of function.

Submission:

Labcorp Genetics (formerly Invitae), Labcorp
Classification: Pathogenic for Hereditary breast ovarian cancer syndrome. Last evaluated: 2024-09-21. Review status: criteria provided, single submitter. Criteria: Invitae Variant Classification Sherloc (09022015). Collection method: clinical testing. Allele origin: germline.
Comment: This sequence change creates a premature translational stop signal (p.Leu2604Valfs*2) in the BRCA2 gene. It is expected to result in an absent or disrupted protein product. Loss-of-function variants in BRCA2 are known to be pathogenic (PMID: 20104584). This variant is not present in population databases (gnomAD no frequency). This variant has not been reported in the literature in individuals affected with BRCA2-related conditions. For these reasons, this variant has been classified as Pathogenic.

Literature cited by the submitters: PubMed 20104584.

NM_000059.4(BRCA2):c.7810_7811del (p.Leu2604fs)

Gene: BRCA2 (BRCA2 DNA repair associated; plus strand). Cytogenetic location: 13q13.1.
Variant type: Microsatellite.
Coding change: c.7810_7811del on transcript NM_000059.4 (MANE Select); coding-DNA positions 7810 to 7811, 2 bases deleted (CT; older notation c.7810_7811delCT).
Protein change: p.Leu2604fs; shifts the reading frame from leucine 2604.
Molecular consequence: frameshift variant. On other transcripts: non-coding transcript variant (1).
Genome position (GRCh38, 1-based): chr13:32,362,527-32,362,528, CT deleted; deleting any 2 consecutive bases within chr13:32,362,525-32,362,528 gives the same sequence; the c. name uses the placement nearest the transcript's 3' end. VCF-style (leftmost placement, unchanged base first): chr13-32362524-GCT-G. GRCh37 (hg19) VCF-style: chr13-32936661-GCT-G.
Other names: c.7714_7715del, p.Leu2572fs (NM_001406719.1); c.7810_7811del, p.Leu2604fs (NM_001406720.1, NM_001432077.1); c.2878_2879del, p.Leu960fs (NM_001406721.1); c.1393_1394del, p.Leu465fs (NM_001406722.1); short protein forms L2572fs, L960fs, L2604fs, L465fs.
Identifiers: ClinVar variation 3721225 (VCV003721225.2).